The following is an entry in ClinVar:

ClinVar aggregate classification (germline): Pathogenic. Review status: criteria provided, multiple submitters, no conflicts (2 of 4 stars). 2 submissions from 2 submitters: Pathogenic (2). Last evaluated 2025-08-21.

Conditions:
Cardiovascular phenotype. Identifiers: MedGen CN230736.
Hereditary cancer-predisposing syndrome. Also called: Tumor predisposition; Neoplastic Syndromes, Hereditary; Hereditary Cancer Syndrome; Hereditary neoplastic syndrome. Identifiers: Orphanet 140162, MedGen C0027672, MeSH D009386, MONDO:0015356.

gnomAD v4.1: 4 of 1,608,904 alleles (0.00025%); highest among the groups gnomAD compares: South Asian, 0.0022%; no homozygotes.

Submissions (3):

Labcorp Genetics (formerly Invitae), Labcorp
Classification: Pathogenic. Last evaluated: 2025-08-21. Review status: criteria provided, single submitter. Criteria: Invitae Variant Classification Sherloc (09022015). Collection method: clinical testing. Allele origin: germline.
Comment: This sequence change creates a premature translational stop signal (p.Ser397*) in the LZTR1 gene. It is expected to result in an absent or disrupted protein product. Loss-of-function variants in LZTR1 are known to be pathogenic (PMID: 24362817, 25335493, 25480913, 25795793, 29469822, 30368668, 30442762, 30442766, 30481304, 30859559). The frequency data for this variant in the population databases is considered unreliable, as metrics indicate poor data quality at this position in the gnomAD database. This variant has not been reported in the literature in individuals affected with LZTR1-related conditions. ClinVar contains an entry for this variant (Variation ID: 1385438). For these reasons, this variant has been classified as Pathogenic.

Ambry Genetics
Classification: Pathogenic for Cardiovascular phenotype; Hereditary cancer-predisposing syndrome. Last evaluated: 2024-10-05. Review status: criteria provided, single submitter. Criteria: Ambry Variant Classification Scheme 2023. Collection method: clinical testing. Allele origin: germline.
Comment: The p.S397* pathogenic mutation (also known as c.1190C>A), located in coding exon 11 of the LZTR1 gene, results from a C to A substitution at nucleotide position 1190. This changes the amino acid from a serine to a stop codon within coding exon 11. Loss-of-function variants in LZTR1 are related to an increased risk for schwannomas and autosomal recessive Noonan syndrome; however, such associations with autosomal dominant Noonan syndrome have not been observed (Piotrowski A et al. Nat Genet. 2014 Feb;46:182-7; Yamamoto GL et al. J Med Genet. 2015 Jun;52:413-21; Johnston JJ et al. Genet Med. 2018 10;20:1175-1185). Based on the supporting evidence, this variant is pathogenic for an increased risk of LZTR1-related schwannomatosis (SWN) and would be expected to cause autosomal recessive Noonan syndrome when present along with a second pathogenic or likely pathogenic variant on the other allele; however, the association of this alteration with autosomal dominant Noonan syndrome is unlikely.

Dr. Peter K. Rogan Lab, Western University
No classification provided (evidence only). Condition: Thyroid cancer, nonmedullary, 1. Review status: no classification provided. Collection method: in vitro. Allele origin: not applicable. Functional consequence: retained intron. Not counted in ClinVar's aggregate classification.

Literature cited by the submitters: PubMed 24362817 (cited by Labcorp Genetics (formerly Invitae), Labcorp); PubMed 25335493 (cited by Labcorp Genetics (formerly Invitae), Labcorp); PubMed 25480913 (cited by Labcorp Genetics (formerly Invitae), Labcorp); PubMed 25795793 (cited by Labcorp Genetics (formerly Invitae), Labcorp); PubMed 29469822 (cited by Labcorp Genetics (formerly Invitae), Labcorp); PubMed 30368668 (cited by Labcorp Genetics (formerly Invitae), Labcorp); PubMed 30442762 (cited by Labcorp Genetics (formerly Invitae), Labcorp); PubMed 30442766 (cited by Labcorp Genetics (formerly Invitae), Labcorp); PubMed 30481304 (cited by Labcorp Genetics (formerly Invitae), Labcorp); PubMed 30859559 (cited by Labcorp Genetics (formerly Invitae), Labcorp).

NM_006767.4(LZTR1):c.1190C>A (p.Ser397Ter)

Gene: LZTR1 (leucine zipper like post translational regulator 1; plus strand). Cytogenetic location: 22q11.21.
Variant type: single nucleotide variant.
Coding change: c.1190C>A on transcript NM_006767.4 (MANE Select); coding-DNA position 1190, C replaced by A.
Protein change: p.Ser397Ter; replaces serine 397 with a stop codon.
Molecular consequence: nonsense.
Genome position (GRCh38, 1-based): chr22:20,992,834, C>A. VCF-style: chr22-20992834-C-A. GRCh37 (hg19) VCF-style: chr22-21347123-C-A.
Other names: c.1190C>A (NM_006767.3); short protein forms S397*.
Identifiers: ClinVar variation 1385438 (VCV001385438.8), dbSNP rs1241079044, ClinGen allele CA410773802.
Genomic context (GRCh38, chr22:20,992,834, plus strand): 5'-CCTGCCTTCTTGTCCCCCAGCTGCCCAGTGGGAGGCTCTTCCACGCGGCTGCTGTCATCT[C>A]GGACGCCATGTACATCTTCGGGGGCACGGTGGACAACAACATCCGCAGCGGGGAGATGTA-3'